The following is an entry in ClinVar:

ClinVar aggregate classification (germline): Uncertain significance. Review status: criteria provided, multiple submitters, no conflicts (2 of 4 stars). 4 submissions from 4 submitters: Uncertain significance (4). Last evaluated 2025-01-06.

Conditions:
Hypogonadotropic hypogonadism 3 with or without anosmia (HH3). Also called: HYPOGONADOTROPIC HYPOGONADISM 3 WITH ANOSMIA; PROKR2-Related GnRH Deficiency (Kallmann Syndrome 3). Identifiers: Orphanet 478, MedGen C3550478, MONDO:0009482, OMIM 244200.

Allele frequency attached by ClinVar (database versions not stated): TOPMed 0.00001; gnomAD 0.00004; gnomAD exomes 0.00008 and 0.00012; ExAC 0.00019.
gnomAD v4.1: 123 of 1,614,096 alleles (0.0076%); highest among the groups gnomAD compares: South Asian, 0.031%; no homozygotes.

Submissions (4):

Labcorp Genetics (formerly Invitae), Labcorp
Classification: Uncertain significance. Last evaluated: 2025-01-06. Review status: criteria provided, single submitter. Criteria: Invitae Variant Classification Sherloc (09022015). Collection method: clinical testing. Allele origin: germline.
Comment: This sequence change replaces arginine, which is basic and polar, with histidine, which is basic and polar, at codon 268 of the PROKR2 protein (p.Arg268His). This variant is present in population databases (rs781065670, gnomAD 0.03%). This variant has not been reported in the literature in individuals affected with PROKR2-related conditions. ClinVar contains an entry for this variant (Variation ID: 1306109). Invitae Evidence Modeling of protein sequence and biophysical properties (such as structural, functional, and spatial information, amino acid conservation, physicochemical variation, residue mobility, and thermodynamic stability) indicates that this missense variant is not expected to disrupt PROKR2 protein function with a negative predictive value of 80%. In summary, the available evidence is currently insufficient to determine the role of this variant in disease. Therefore, it has been classified as a Variant of Uncertain Significance.

Women's Health and Genetics/Laboratory Corporation of America, LabCorp
Classification: Uncertain significance. Last evaluated: 2024-11-01. Review status: criteria provided, single submitter. Criteria: LabCorp Variant Classification Summary - May 2015. Collection method: clinical testing. Allele origin: germline.
Comment: Variant summary: PROKR2 c.803G>A (p.Arg268His) results in a non-conservative amino acid change located in the GPCR, rhodopsin-like, 7TM domain (IPR017452) of the encoded protein sequence. Three of five in-silico tools predict a damaging effect of the variant on protein function. The variant allele was found at a frequency of 0.00012 in 251378 control chromosomes. This frequency is not significantly higher than estimated for a pathogenic variant in PROKR2 causing Kallmann Syndrome 3, allowing no conclusion about variant significance. c.803G>A has been reported in the literature in individuals affected with Kallmann Syndrome and congenital hypogonadotropic hypogonadism (example, Cangiano_2019, Cangiano_2021). These report(s) do not provide unequivocal conclusions about association of the variant with Kallmann Syndrome 3. To our knowledge, no experimental evidence demonstrating an impact on protein function has been reported. The following publications have been ascertained in the context of this evaluation (PMID: 30669598, 33738751). ClinVar contains an entry for this variant (Variation ID: 1306109). Based on the evidence outlined above, the variant was classified as uncertain significance.

Fulgent Genetics
Classification: Uncertain significance for Hypogonadotropic hypogonadism 3 with or without anosmia. Last evaluated: 2021-08-09. Review status: criteria provided, single submitter. Criteria: ACMG Guidelines, 2015. Collection method: clinical testing. Allele origin: unknown.

GeneDx
Classification: Uncertain significance. Last evaluated: 2019-06-04. Review status: criteria provided, single submitter. Criteria: GeneDx Variant Classification Process June 2021. Collection method: clinical testing. Allele origin: germline. Affected: yes.
Comment: In silico analysis, which includes protein predictors and evolutionary conservation, supports that this variant does not alter protein structure/function; Has not been previously published as pathogenic or benign to our knowledge

Literature cited by the submitters: PubMed 30669598 (cited by Women's Health and Genetics/Laboratory Corporation of America, LabCorp); PubMed 33738751 (cited by Women's Health and Genetics/Laboratory Corporation of America, LabCorp).

NM_144773.4(PROKR2):c.803G>A (p.Arg268His)

Gene: PROKR2 (prokineticin receptor 2; minus strand). Cytogenetic location: 20p12.3.
Variant type: single nucleotide variant.
Coding change: c.803G>A on transcript NM_144773.4 (MANE Select); coding-DNA position 803, G replaced by A.
Protein change: p.Arg268His; replaces arginine 268 with histidine.
Molecular consequence: missense variant.
Genome position (GRCh38, 1-based): chr20:5,302,392, C>T on the plus strand (G>A on the coding strand, the complement: PROKR2 is on the minus strand). VCF-style: chr20-5302392-C-T. GRCh37 (hg19) VCF-style: chr20-5283038-C-T.
Other names: short protein forms R268H.
Identifiers: ClinVar variation 1306109 (VCV001306109.7), dbSNP rs781065670, ClinGen allele CA9754277.